The following is an entry in ClinVar:

NM_000057.4(BLM):c.3803A>G (p.Glu1268Gly)

Gene: BLM (BLM RecQ like helicase; plus strand). Cytogenetic location: 15q26.1.
Variant type: single nucleotide variant.
Coding change: c.3803A>G on transcript NM_000057.4 (MANE Select); coding-DNA position 3803, A replaced by G.
Protein change: p.Glu1268Gly; replaces glutamic acid 1268 with glycine.
Molecular consequence: missense variant.
Genome position (GRCh38, 1-based): chr15:90,809,188, A>G. VCF-style: chr15-90809188-A-G. GRCh37 (hg19) VCF-style: chr15-91352418-A-G.
Other names: c.3803A>G, p.Glu1268Gly (NM_001287246.2); c.3410A>G, p.Glu1137Gly (NM_001287247.2); c.2678A>G, p.Glu893Gly (NM_001287248.2); short protein forms E1137G, E1268G, E893G.
Identifiers: ClinVar variation 3224612 (VCV003224612.1), dbSNP rs1897348799, ClinGen allele CA393849692.

ClinVar aggregate classification (germline): Uncertain significance (1 of 4 stars; one submission).

Conditions:
Hereditary cancer-predisposing syndrome. Also called: Tumor predisposition; Hereditary neoplastic syndrome; Hereditary Cancer Syndrome; Neoplastic Syndromes, Hereditary. Identifiers: Orphanet 140162, MedGen C0027672, MeSH D009386, MONDO:0015356.

Submission:

Ambry Genetics
Classification: Uncertain significance for Hereditary cancer-predisposing syndrome. Last evaluated: 2023-09-17. Review status: criteria provided, single submitter. Criteria: Ambry Variant Classification Scheme 2023. Collection method: clinical testing. Allele origin: germline.
Comment: The p.E1268G variant (also known as c.3803A>G), located in coding exon 19 of the BLM gene, results from an A to G substitution at nucleotide position 3803. The glutamic acid at codon 1268 is replaced by glycine, an amino acid with similar properties. This amino acid position is conserved. In addition, this alteration is predicted to be deleterious by in silico analysis. Since supporting evidence is limited at this time, the clinical significance of this alteration remains unclear.